The following is an entry in ClinVar:

NM_000038.6(APC):c.420G>A (p.Glu140=)

Gene: APC (APC regulator of Wnt signaling pathway; plus strand). Cytogenetic location: 5q22.2.
Variant type: single nucleotide variant.
Coding change: c.420G>A on transcript NM_000038.6 (MANE Select); coding-DNA position 420, G replaced by A.
Protein change: p.Glu140=; no amino-acid change (glutamic acid 140 retained).
Molecular consequence: synonymous variant. On other transcripts: 5 prime UTR variant (4), non-coding transcript variant (2).
Genome position (GRCh38, 1-based): chr5:112,767,388, G>A. VCF-style: chr5-112767388-G-A. GRCh37 (hg19) VCF-style: chr5-112103085-G-A.
Other names: c.420G>A, p.Glu140= (NM_001127510.3, NM_001354895.2, NM_001354896.2 and 16 more transcripts); c.450G>A, p.Glu150= (NM_001127511.3, NM_001354897.2, NM_001354902.2 and 1 more transcripts); c.345G>A, p.Glu115= (NM_001354898.2, NM_001354904.2, NM_001407451.1); c.243G>A, p.Glu81= (NM_001354900.2, NM_001354901.2, NM_001354905.2 and 1 more transcripts); c.-616G>A (NM_001354906.2, NM_001407470.1, NM_001407471.1 and 1 more transcripts).
Identifiers: ClinVar variation 2561162 (VCV002561162.2), dbSNP rs202161017, ClinGen allele CA445753445.

ClinVar aggregate classification (germline): Benign/Likely benign. Review status: criteria provided, multiple submitters, no conflicts (2 of 4 stars). 2 submissions from 2 submitters: Benign (1); Likely benign (1). Last evaluated 2024-02-23.

Conditions:
Hereditary cancer-predisposing syndrome. Also called: Neoplastic Syndromes, Hereditary; Hereditary Cancer Syndrome; Hereditary neoplastic syndrome; Tumor predisposition. Identifiers: Orphanet 140162, MedGen C0027672, MeSH D009386, MONDO:0015356.
Familial adenomatous polyposis 1 (FAP1). Also called: POLYPOSIS, ADENOMATOUS INTESTINAL; FAMILIAL ADENOMATOUS POLYPOSIS 1, ATTENUATED. Identifiers: MedGen C2713442, MONDO:0021056, OMIM 175100. Disease mechanism: loss of function.

Submissions (2):

Myriad Genetics, Inc.
Classification: Benign for Familial adenomatous polyposis 1. Last evaluated: 2024-02-23. Review status: criteria provided, single submitter. Criteria: Myriad Autosomal Dominant, Autosomal Recessive and X-Linked Classification Criteria (2023). Collection method: clinical testing. Allele origin: unknown.
Comment: This variant is considered benign. This variant is a silent/synonymous amino acid change and it is not expected to impact splicing.

Ambry Genetics
Classification: Likely benign for Hereditary cancer-predisposing syndrome. Last evaluated: 2023-05-03. Review status: criteria provided, single submitter. Criteria: Ambry Variant Classification Scheme 2023. Collection method: clinical testing. Allele origin: germline.